The following is an entry in ClinVar:

NM_024675.4(PALB2):c.2034A>G (p.Leu678=)

Gene: PALB2 (partner and localizer of BRCA2; minus strand). Cytogenetic location: 16p12.2.
Variant type: single nucleotide variant.
Coding change: c.2034A>G on transcript NM_024675.4 (MANE Select); coding-DNA position 2034, A replaced by G.
Protein change: p.Leu678=; no amino-acid change (leucine 678 retained).
Molecular consequence: synonymous variant.
Genome position (GRCh38, 1-based): chr16:23,630,120, T>C on the plus strand (A>G on the coding strand, the complement: PALB2 is on the minus strand). VCF-style: chr16-23630120-T-C. GRCh37 (hg19) VCF-style: chr16-23641441-T-C.
Identifiers: ClinVar variation 378318 (VCV000378318.24), dbSNP rs373796987, ClinGen allele CA7963632.
Genomic context (GRCh38, chr16:23,630,120, plus strand): 5'-AAGGCCCGTCTTTGTATGCTGGCTTTGCGAGTTTGGCCTTTTGGGATGTGATTTTCCTGG[T>C]AGAACAATAAGGTCCTCTTCTAAGTCCTCCATTTCTGTATCCATGCGTTTAGGACTCAGT-3'
Protein context (NP_078951.2, residues 668-688): MEDLEEDLIV[Leu678=]PGKSHPKRPN

ClinVar aggregate classification (germline): Benign/Likely benign. Review status: criteria provided, multiple submitters, no conflicts (2 of 4 stars). 8 submissions from 8 submitters: Benign (1); Likely benign (6). 1 of the submissions does not count toward it. Last evaluated 2026-01-13.

Conditions:
Hereditary cancer-predisposing syndrome. Also called: Tumor predisposition; Neoplastic Syndromes, Hereditary; Hereditary neoplastic syndrome; Hereditary Cancer Syndrome. Identifiers: Orphanet 140162, MedGen C0027672, MeSH D009386, MONDO:0015356.
PALB2-related disorder. Also called: PALB2-related condition; PALB2-related disorders.
Familial cancer of breast. Also called: BREAST CANCER, FAMILIAL; Hereditary breast cancer; hereditary breast carcinoma. Identifiers: Orphanet 227535, MedGen C0346153, MONDO:0016419, OMIM 114480. Disease mechanism: loss of function.

Allele frequency attached by ClinVar (database versions not stated): gnomAD 0.00002 and 0.00003; TOPMed 0.00004; ESP Exome Variant Server 0.00015; 1000 Genomes Project 30x 0.00016; 1000 Genomes Project 0.00020.
gnomAD v4.1: 25 of 1,614,168 alleles (0.0015%); highest among the groups gnomAD compares: South Asian, 0.012%; no homozygotes.

Submissions (8):

Labcorp Genetics (formerly Invitae), Labcorp
Classification: Likely benign for Familial cancer of breast. Last evaluated: 2026-01-13. Review status: criteria provided, single submitter. Criteria: Invitae Variant Classification Sherloc (09022015). Collection method: clinical testing. Allele origin: germline.

Myriad Genetics, Inc.
Classification: Benign for Familial cancer of breast. Last evaluated: 2025-01-15. Review status: criteria provided, single submitter. Criteria: Myriad Autosomal Dominant, Autosomal Recessive and X-Linked Classification Criteria (2023). Collection method: clinical testing. Allele origin: unknown.
Comment: This variant is considered benign. This variant is a silent/synonymous amino acid change and it is not expected to impact splicing.

Institute for Biomarker Research, Medical Diagnostic Laboratories, L.L.C.
Classification: Likely benign for Hereditary cancer-predisposing syndrome. Last evaluated: 2024-04-02. Review status: criteria provided, single submitter. Criteria: ACMG Guidelines, 2015. Collection method: clinical testing. Allele origin: germline.

Blueprint Genetics
Classification: Likely benign. Last evaluated: 2021-12-08. Review status: criteria provided, single submitter. Criteria: ACMG Guidelines, 2015. Collection method: clinical testing. Allele origin: germline.

Color Diagnostics, LLC DBA Color Health
Classification: Likely benign for Hereditary cancer-predisposing syndrome. Last evaluated: 2019-09-09. Review status: criteria provided, single submitter. Criteria: ACMG Guidelines, 2015. Collection method: clinical testing. Allele origin: germline.

GeneDx
Classification: Likely benign. Last evaluated: 2018-06-28. Review status: criteria provided, single submitter. Criteria: GeneDx Variant Classification Process June 2021. Collection method: clinical testing. Allele origin: germline. Affected: yes.

Ambry Genetics
Classification: Likely benign for Hereditary cancer-predisposing syndrome. Last evaluated: 2017-06-20. Review status: criteria provided, single submitter. Criteria: Ambry Variant Classification Scheme 2023. Collection method: clinical testing. Allele origin: germline.

PreventionGenetics, part of Exact Sciences
Classification: Likely benign for PALB2-related condition. Last evaluated: 2024-09-10. Review status: no assertion criteria provided. Collection method: clinical testing. Allele origin: germline. Not counted in ClinVar's aggregate classification.
Comment: This variant is classified as likely benign based on ACMG/AMP sequence variant interpretation guidelines (Richards et al. 2015 PMID: 25741868, with internal and published modifications).